The following is an entry in ClinVar:

NM_001377.3(DYNC2H1):c.3539C>T (p.Thr1180Ile)

Gene: DYNC2H1 (dynein cytoplasmic 2 heavy chain 1; plus strand). Cytogenetic location: 11q22.3.
Variant type: single nucleotide variant.
Coding change: c.3539C>T on transcript NM_001377.3 (MANE Select); coding-DNA position 3539, C replaced by T.
Protein change: p.Thr1180Ile; replaces threonine 1180 with isoleucine.
Molecular consequence: missense variant.
Genome position (GRCh38, 1-based): chr11:103,154,775, C>T. VCF-style: chr11-103154775-C-T. GRCh37 (hg19) VCF-style: chr11-103025504-C-T.
Other names: c.3539C>T, p.Thr1180Ile (NM_001080463.2); short protein forms T1180I.
Identifiers: ClinVar variation 1438883 (VCV001438883.7), dbSNP rs368273539, ClinGen allele CA6253335.

ClinVar aggregate classification (germline): Uncertain significance. Review status: criteria provided, single submitter (1 of 4 stars). 2 submissions from 2 submitters: Uncertain significance (1). 1 of the submissions does not count toward it. Last evaluated 2024-05-01.

Conditions:
Retinal dystrophy. Also called: Inherited retinal dystrophy. Identifiers: Orphanet 71862, MedGen C0854723, MeSH D058499, MONDO:0019118, HP:0000556.
Jeune thoracic dystrophy. Also called: Short-rib thoracic dysplasia; Jeune syndrome; Infantile thoracic dystrophy; Thoracic pelvic phalangeal dystrophy; Jeune's syndrome; Chondroectodermal dysplasia-like syndrome. Identifiers: Orphanet 474, MedGen C0265275, MONDO:0018770.

Allele frequency attached by ClinVar (database versions not stated): TOPMed 0.00003; gnomAD exomes 0.00004 and 0.00008; ESP Exome Variant Server 0.00008; gnomAD 0.00009 and 0.00010; ExAC 0.00010.
gnomAD v4.1: 129 of 1,555,860 alleles (0.0083%); highest among the groups gnomAD compares: Non-Finnish European, 0.011%; no homozygotes.

Submissions (2):

Labcorp Genetics (formerly Invitae), Labcorp
Classification: Uncertain significance for Jeune thoracic dystrophy. Last evaluated: 2024-05-01. Review status: criteria provided, single submitter. Criteria: Invitae Variant Classification Sherloc (09022015). Collection method: clinical testing. Allele origin: germline.
Comment: This sequence change replaces threonine, which is neutral and polar, with isoleucine, which is neutral and non-polar, at codon 1180 of the DYNC2H1 protein (p.Thr1180Ile). This variant is present in population databases (rs368273539, gnomAD 0.03%). This missense change has been observed in individual(s) with short-rib thoracic dysplasia (PMID: 25492405). ClinVar contains an entry for this variant (Variation ID: 1438883). Advanced modeling of protein sequence and biophysical properties (such as structural, functional, and spatial information, amino acid conservation, physicochemical variation, residue mobility, and thermodynamic stability) has been performed at Invitae for this missense variant, however the output from this modeling did not meet the statistical confidence thresholds required to predict the impact of this variant on DYNC2H1 protein function. In summary, the available evidence is currently insufficient to determine the role of this variant in disease. Therefore, it has been classified as a Variant of Uncertain Significance.

Institute of Human Genetics, Univ. Regensburg, Univ. Regensburg
Classification: Uncertain significance for Retinal dystrophy. Last evaluated: 2022-01-01. Review status: no assertion criteria provided. Criteria: ACMG Guidelines, 2015. Collection method: clinical testing. Allele origin: germline. Affected: yes. Not counted in ClinVar's aggregate classification.

Literature cited by the submitters: PubMed 25492405 (cited by Labcorp Genetics (formerly Invitae), Labcorp).